The following is an entry in ClinVar:

NM_006269.2(RP1):c.487G>A (p.Asp163Asn)

Gene: RP1 (RP1 axonemal microtubule associated; plus strand). Cytogenetic location: 8q12.1.
Variant type: single nucleotide variant.
Coding change: c.487G>A on transcript NM_006269.2 (MANE Select); coding-DNA position 487, G replaced by A.
Protein change: p.Asp163Asn; replaces aspartic acid 163 with asparagine.
Molecular consequence: missense variant.
Genome position (GRCh38, 1-based): chr8:54,621,453, G>A. VCF-style: chr8-54621453-G-A. GRCh37 (hg19) VCF-style: chr8-55534013-G-A.
Other names: c.487G>A, p.Asp163Asn (NM_001375654.1); short protein forms D163N.
Identifiers: ClinVar variation 910048 (VCV000910048.13), dbSNP rs370436803, ClinGen allele CA4751179.

ClinVar aggregate classification (germline): Benign/Likely benign. Review status: criteria provided, multiple submitters, no conflicts (2 of 4 stars). 3 submissions from 3 submitters: Benign (1); Likely benign (2). Last evaluated 2025-08-24.

Conditions:
Retinitis pigmentosa (RP). Identifiers: Orphanet 791, MedGen C0035334, MeSH D012174, MONDO:0019200, OMIM 268000. Inheritance: Autosomal dominant, autosomal recessive and X linked inheritance.

Allele frequency attached by ClinVar (database versions not stated): ESP Exome Variant Server 0.00008; TOPMed 0.00013; gnomAD exomes 0.00074; ExAC 0.00088; 1000 Genomes Project 30x 0.00156; 1000 Genomes Project 0.00160.
gnomAD v4.1: 582 of 1,613,932 alleles (0.036%); highest among the groups gnomAD compares: South Asian, 0.53%; 9 homozygotes.

Submissions (3):

Labcorp Genetics (formerly Invitae), Labcorp
Classification: Benign. Last evaluated: 2025-08-24. Review status: criteria provided, single submitter. Criteria: Invitae Variant Classification Sherloc (09022015). Collection method: clinical testing. Allele origin: germline.

Blueprint Genetics
Classification: Likely benign. Last evaluated: 2024-11-19. Review status: criteria provided, single submitter. Criteria: ACMG Guidelines, 2015. Collection method: clinical testing. Allele origin: germline.

Illumina Laboratory Services, Illumina
Classification: Likely benign for Retinitis pigmentosa. Last evaluated: 2018-01-13. Review status: criteria provided, single submitter. Criteria: ICSL Variant Classification Criteria 13 December 2019. Collection method: clinical testing. Allele origin: germline.
Comment: This variant was observed in the ICSL laboratory as part of a predisposition screen in an ostensibly healthy population. It had not been previously curated by ICSL or reported in the Human Gene Mutation Database (HGMD: prior to June 1st, 2018), and was therefore a candidate for classification through an automated scoring system. Utilizing variant allele frequency, disease prevalence and penetrance estimates, and inheritance mode, an automated score was calculated to assess if this variant is too frequent to cause the disease. Based on the score and internal cut-off values, a variant classified as likely benign is not then subjected to further curation. The score for this variant resulted in a classification of likely benign for this disease.